The following is an entry in ClinVar:

NM_000116.5(TAFAZZIN):c.682T>C (p.Phe228Leu)

Gene: TAFAZZIN (tafazzin, phospholipid-lysophospholipid transacylase; plus strand). Cytogenetic location: Xq28.
Variant type: single nucleotide variant.
Coding change: c.682T>C on transcript NM_000116.5 (MANE Select); coding-DNA position 682, T replaced by C.
Protein change: p.Phe228Leu; replaces phenylalanine 228 with leucine.
Molecular consequence: missense variant. On other transcripts: non-coding transcript variant (1).
Genome position (GRCh38, 1-based): chrX:154,420,247, T>C. VCF-style: chrX-154420247-T-C. GRCh37 (hg19) VCF-style: chrX-153648586-T-C.
Other names: c.694T>C, p.Phe232Leu (NM_001303465.2); c.646T>C, p.Phe216Leu (NM_001410698.1); c.592T>C, p.Phe198Leu (NM_181311.4); c.640T>C, p.Phe214Leu (NM_181312.4); c.550T>C, p.Phe184Leu (NM_181313.4); short protein forms F216L, F198L, F214L, F228L, F184L, F232L.
Identifiers: ClinVar variation 2870076 (VCV002870076.3), dbSNP rs782498126, ClinGen allele CA10562410.

ClinVar aggregate classification (germline): Uncertain significance (1 of 4 stars; one submission).

Conditions:
3-Methylglutaconic aciduria type 2 (BTHS). Also called: Barth syndrome; CARDIOSKELETAL MYOPATHY WITH NEUTROPENIA AND ABNORMAL MITOCHONDRIA. Identifiers: Orphanet 111, MedGen C0574083, MONDO:0010543, OMIM 302060.

Allele frequency attached by ClinVar (database versions not stated): ExAC 0.00001.

Submission:

Labcorp Genetics (formerly Invitae), Labcorp
Classification: Uncertain significance for 3-Methylglutaconic aciduria type 2. Last evaluated: 2025-03-17. Review status: criteria provided, single submitter. Criteria: Invitae Variant Classification Sherloc (09022015). Collection method: clinical testing. Allele origin: germline.
Comment: This sequence change replaces phenylalanine, which is neutral and non-polar, with leucine, which is neutral and non-polar, at codon 228 of the TAZ protein (p.Phe228Leu). This variant is present in population databases (rs782498126, gnomAD 0.001%). This variant has not been reported in the literature in individuals affected with TAZ-related conditions. ClinVar contains an entry for this variant (Variation ID: 2870076). An algorithm developed to predict the effect of missense changes on protein structure and function (PolyPhen-2) suggests that this variant is likely to be tolerated. In summary, the available evidence is currently insufficient to determine the role of this variant in disease. Therefore, it has been classified as a Variant of Uncertain Significance.